The following is an entry in ClinVar:

NM_006186.4(NR4A2):c.1258T>C (p.Trp420Arg)

Gene: NR4A2 (nuclear receptor subfamily 4 group A member 2; minus strand). Cytogenetic location: 2q24.1.
Variant type: single nucleotide variant.
Coding change: c.1258T>C on transcript NM_006186.4 (MANE Select); coding-DNA position 1258, T replaced by C.
Protein change: p.Trp420Arg; replaces tryptophan 420 with arginine.
Molecular consequence: missense variant.
Genome position (GRCh38, 1-based): chr2:156,326,821, A>G on the plus strand (T>C on the coding strand, the complement: NR4A2 is on the minus strand). VCF-style: chr2-156326821-A-G. GRCh37 (hg19) VCF-style: chr2-157183333-A-G.
Other names: c.1069T>C, p.Trp357Arg (NM_173173.3); short protein forms W420R, W357R.
Identifiers: ClinVar variation 4087978 (VCV004087978.1).

ClinVar aggregate classification (germline): Uncertain significance (1 of 4 stars; one submission).

Submission:

GeneDx
Classification: Uncertain significance. Last evaluated: 2025-03-25. Review status: criteria provided, single submitter. Criteria: GeneDx Variant Classification Process June 2021. Collection method: clinical testing. Allele origin: germline. Affected: yes.
Comment: In silico analysis supports that this missense variant has a deleterious effect on protein structure/function; Not observed at significant frequency in large population cohorts (gnomAD); Has not been previously published as pathogenic or benign to our knowledge